The following is an entry in ClinVar:

NM_014698.3(TMEM63A):c.1389C>G (p.Ile463Met)

Gene: TMEM63A (transmembrane protein 63A; minus strand). Cytogenetic location: 1q42.12.
Variant type: single nucleotide variant.
Coding change: c.1389C>G on transcript NM_014698.3 (MANE Select); coding-DNA position 1389, C replaced by G.
Protein change: p.Ile463Met; replaces isoleucine 463 with methionine.
Molecular consequence: missense variant.
Genome position (GRCh38, 1-based): chr1:225,857,006, G>C on the plus strand (C>G on the coding strand, the complement: TMEM63A is on the minus strand). VCF-style: chr1-225857006-G-C. GRCh37 (hg19) VCF-style: chr1-226044706-G-C.
Other names: short protein forms I463M.
Identifiers: ClinVar variation 5018220 (VCV005018220.1).

ClinVar aggregate classification (germline): Uncertain significance (1 of 4 stars; one submission).

Submission:

GeneDx
Classification: Uncertain significance. Last evaluated: 2026-04-07. Review status: criteria provided, single submitter. Criteria: GeneDx Variant Classification Process June 2021. Collection method: clinical testing. Allele origin: germline.
Comment: Not observed at significant frequency in large population cohorts (gnomAD); In silico analysis supports that this missense variant has a deleterious effect on protein structure/function; Has not been previously published as pathogenic or benign to our knowledge